The following is an entry in ClinVar:

ClinVar aggregate classification (germline): Pathogenic (1 of 4 stars; one submission).

Conditions:
Holoprosencephaly 3 (HPE3). Identifiers: Orphanet 2162, MedGen C1840529, MONDO:0007733, OMIM 142945.

Submission:

Laboratory of Molecular Genetics, CHU Rennes
Classification: Pathogenic for Holoprosencephaly 3. Last evaluated: 2025-02-27. Review status: criteria provided, single submitter. Criteria: ACMG Guidelines, 2015. Collection method: clinical testing. Allele origin: de novo. Inheritance: Autosomal dominant inheritance. Affected: yes.
Comment: The NM_000193.4:c.119_120del is a deletion of two base-pairs in SHH which is predicted to result in a premature stop codon downstream, and likely results in an absent or disrupted protein product (PVS1). This variant occurred de novo (PS2). This variant is not present in gnomAD (PM2). In summary, this variant meets criteria to be classified as pathogenic for holoprosencephaly based on the ACMG criteria applied.

NM_000193.4(SHH):c.121_122del (p.Pro41fs)

Gene: SHH (sonic hedgehog signaling molecule; minus strand). Cytogenetic location: 7q36.3.
Variant type: Deletion.
Coding change: c.121_122del on transcript NM_000193.4 (MANE Select); coding-DNA positions 121 to 122, 2 bases deleted (CC; older notation c.121_122delCC).
Protein change: p.Pro41fs; shifts the reading frame from proline 41.
Molecular consequence: frameshift variant.
Genome position (GRCh38, 1-based): chr7:155,812,001-155,812,002, GG deleted on the plus strand (CC on the coding strand, the reverse complement: SHH is on the minus strand); deleting any 2 consecutive bases within chr7:155,812,001-155,812,004 gives the same sequence; the c. name uses the placement nearest the transcript's 3' end. VCF-style (leftmost placement, unchanged base first): chr7-155812000-AGG-A. GRCh37 (hg19) VCF-style: chr7-155604694-AGG-A.
Other names: c.119_120del (NM_000193.4); short protein forms P41fs.
Identifiers: ClinVar variation 3775159 (VCV003775159.1).